The following is an entry in ClinVar:

ClinVar aggregate classification (germline): Pathogenic. Review status: criteria provided, multiple submitters, no conflicts (2 of 4 stars). 8 submissions from 7 submitters: Pathogenic (7). 1 of the submissions does not count toward it. Last evaluated 2026-04-13.

Conditions:
Pendred syndrome (PDS). Also called: Pendred's syndrome; Pendred Syndrome (PDS); DEAFNESS WITH GOITER; GOITER-DEAFNESS SYNDROME; HYPOTHYROIDISM, CONGENITAL, DUE TO DYSHORMONOGENESIS, 2B; THYROID DYSHORMONOGENESIS 2B. Identifiers: Orphanet 705, MedGen C0271829, MONDO:0010134, OMIM 274600.
Autosomal recessive nonsyndromic hearing loss 4 (DFNB4). Also called: Deafness, autosomal recessive 4, with enlarged vestibular aqueduct; FOXI1-Related Pendred Syndrome; KCNJ10-Related Pendred Syndrome; DEAFNESS, AUTOSOMAL RECESSIVE 4, WITH ENLARGED VESTIBULAR AQUEDUCT, DIGENIC; Nonsyndromic enlarged vestibular aqueduct (NSEVA); Deafness, autosomal recessive 4. Identifiers: Orphanet 90636, MedGen C3538946, MONDO:0010933, OMIM 600791.

Allele frequency attached by ClinVar (database versions not stated): gnomAD exomes below 0.00001.

Submissions (8):

Division of Genetic & Genomic Pathology, Hong Kong Children's Hospital
Classification: Pathogenic for Pendred syndrome. Last evaluated: 2026-04-13. Review status: criteria provided, single submitter. Criteria: ACMG Guidelines, 2015. Collection method: clinical testing. Allele origin: germline. Affected: yes.
Comment: SLC26A4 c.754T>C p.(Ser252Pro) is a missense variant located in exon 6. The variant has a very low allele frequency in control populations (gnomAD v4.1.0: 7 heterozygotes out of total 1,613,220 alleles; East Asian: 6/44,874 alleles). It has been detected in trans with other (likely) pathogenic variants in multiples patients with hearing loss (PMID: 21961810, 23918157, 24341454, 24612839). The variant has a REVEL score of 0.954, which is predicted to be deleterious at strong level. According to the ClinGen Hearing Loss Expert Panel Specifications to the ACMG/AMP variant interpretation guidelines for SLC26A4 (V2.0.0), this variant is classified as pathogenic. This variant was inherited in trans with another missense variant.

GeneDx
Classification: Pathogenic. Last evaluated: 2026-04-08. Review status: criteria provided, single submitter. Criteria: GeneDx Variant Classification Process June 2021. Collection method: clinical testing. Allele origin: germline.
Comment: Observed in multiple unrelated patients from different ethnic backgrounds with enlarged vestibular aqueduct and hearing loss in published literature (PMID: 30842343, 34170635, 35939872, 21961810, 24612839, 23918157, 22796198); In silico analysis supports that this missense variant has a deleterious effect on protein structure/function; Not observed at significant frequency in large population cohorts (gnomAD); This variant is associated with the following publications: (PMID: 23185506, 32645618, 12676893, 27771369, 30275481, 32447495, 30842343, 20842945, 21961810, 34170635, 35939872, 34628810, 23918157, 36597107, 35982127, 24341454, 26252218, 22796198, 24612839, 40268851, 41373027, 41689081, 39640791, 40998904)

Division of Genetic & Genomic Pathology, Hong Kong Children's Hospital
Classification: Pathogenic for Autosomal recessive nonsyndromic hearing loss 4. Last evaluated: 2026-01-09. Review status: criteria provided, single submitter. Criteria: ACMG Guidelines, 2015. Collection method: clinical testing. Allele origin: germline. Affected: yes.
Comment: SLC26A4 c.754T>C p.(Ser252Pro) is a missense variant in exon 6 of the gene, strongly predicted to have a deleterious effect by REVEL (REVEL score 0.954). The variant is rare (gnomAD v4.1.0 filtering allele frequency 0.000065, less than the ClinGen Hearing Loss Expert Panel recommended cutoff of 0.00007). It has been detected both as a homozygous variant and, when heterozygous, in trans with multiple other pathogenic variants, in at least 5 patients with hearing loss (PMIDs: 30842343, 32447495, 34170635, 32645618). There are multiple entries in ClinVar, all classifying the variant as pathogenic or likely pathogenic (ClinVar VCV001065210.11). Bilateral enlarged vestibular aqueducts with Mondini’s dysplasia is a phenotype specific for the SLC26A4 gene (PMID: 20301640). For these reasons, SLC26A4 c.754T>C p.(Ser252Pro) is classified as pathogenic. This variant is in trans with another pathogenic variant.

Natera, Inc.
Classification: Pathogenic for Pendred syndrome. Last evaluated: 2025-04-11. Review status: criteria provided, single submitter. Criteria: Natera Variant Classification Schema (03/2026). Collection method: clinical testing. Allele origin: germline.
Comment: The c.754T>C variant in SLC26A4 is a missense variant predicted to cause substitution of serine to proline at amino acid 252. This variant is rare in the general population with a frequency below the threshold expected for the associated phenotype(s). This variant has been observed in one or more individuals affected with the associated recessive disease, as either homozygous or compound heterozygous with a second variant (PMID: 32645618, 32447495, 31541171). Additionally, this variant has been observed to segregate in affected family members (PMID: 32447495). Computational prediction algorithms indicate this variant is likely to affect gene or protein function. Given the available evidence, this variant is classified as Pathogenic.

Fulgent Genetics
Classification: Pathogenic for Pendred syndrome; Autosomal recessive nonsyndromic hearing loss 4. Last evaluated: 2024-05-07. Review status: criteria provided, single submitter. Criteria: ACMG Guidelines, 2015. Collection method: clinical testing. Allele origin: germline.

Labcorp Genetics (formerly Invitae), Labcorp
Classification: Pathogenic. Last evaluated: 2024-02-11. Review status: criteria provided, single submitter. Criteria: Invitae Variant Classification Sherloc (09022015). Collection method: clinical testing. Allele origin: germline.
Comment: This sequence change replaces serine, which is neutral and polar, with proline, which is neutral and non-polar, at codon 252 of the SLC26A4 protein (p.Ser252Pro). This variant is present in population databases (no rsID available, gnomAD 0.006%). This missense change has been observed in individual(s) with SLC26A4-related conditions (PMID: 12676893, 20842945, 21961810, 22796198, 23918157, 24341454, 24612839, 26252218). In at least one individual the data is consistent with being in trans (on the opposite chromosome) from a pathogenic variant. ClinVar contains an entry for this variant (Variation ID: 1065210). Advanced modeling of protein sequence and biophysical properties (such as structural, functional, and spatial information, amino acid conservation, physicochemical variation, residue mobility, and thermodynamic stability) performed at Invitae indicates that this missense variant is expected to disrupt SLC26A4 protein function with a positive predictive value of 95%. For these reasons, this variant has been classified as Pathogenic.

Juno Genomics, Hangzhou Juno Genomics, Inc
Classification: Pathogenic for Autosomal recessive nonsyndromic hearing loss 4; Pendred syndrome. Review status: criteria provided, single submitter. Criteria: ACMG Guidelines, 2015. Collection method: clinical testing. Allele origin: germline. Affected: yes.
Comment: Absent from controls (or at extremely low frequency if recessive) in Genome Aggregation Database.;Multiple lines of computational evidence support a deleterious effect on the gene or gene product.;For recessive disorders, detected in trans with a pathogenic variant.

Precision Medicine Center, Zhengzhou University
Classification: Pathogenic for Autosomal recessive nonsyndromic hearing loss 4. Review status: no assertion criteria provided. Collection method: research. Allele origin: germline. Affected: yes. Not counted in ClinVar's aggregate classification.
Comment: PM2: gnomAD genomes East Asian allele frequency =0.00005437<0.00007 PM3_VeryStrong: Pathogenic mutation confirmed in trans in five patients PP3: REVEL score >0.7 PP4: Patient's phenotype highly specific for gene

Literature cited by the submitters: PubMed 21961810 (cited by Division of Genetic & Genomic Pathology, Hong Kong Children's Hospital and Labcorp Genetics (formerly Invitae), Labcorp); PubMed 23918157 (cited by Division of Genetic & Genomic Pathology, Hong Kong Children's Hospital and Labcorp Genetics (formerly Invitae), Labcorp); PubMed 24341454 (cited by Division of Genetic & Genomic Pathology, Hong Kong Children's Hospital and Labcorp Genetics (formerly Invitae), Labcorp); PubMed 24612839 (cited by Division of Genetic & Genomic Pathology, Hong Kong Children's Hospital and Labcorp Genetics (formerly Invitae), Labcorp); PubMed 30842343 (cited by Division of Genetic & Genomic Pathology, Hong Kong Children's Hospital); PubMed 32447495 (cited by Division of Genetic & Genomic Pathology, Hong Kong Children's Hospital and Natera, Inc.); PubMed 34170635 (cited by Division of Genetic & Genomic Pathology, Hong Kong Children's Hospital); PubMed 32645618 (cited by Division of Genetic & Genomic Pathology, Hong Kong Children's Hospital and Natera, Inc.); PubMed 20301640 (cited by Division of Genetic & Genomic Pathology, Hong Kong Children's Hospital); PubMed 31541171 (cited by Natera, Inc.); PubMed 12676893 (cited by Labcorp Genetics (formerly Invitae), Labcorp); PubMed 20842945 (cited by Labcorp Genetics (formerly Invitae), Labcorp); PubMed 22796198 (cited by Labcorp Genetics (formerly Invitae), Labcorp); PubMed 26252218 (cited by Labcorp Genetics (formerly Invitae), Labcorp).

NM_000441.2(SLC26A4):c.754T>C (p.Ser252Pro)

Gene: SLC26A4 (solute carrier family 26 member 4; plus strand). Cytogenetic location: 7q22.3.
Variant type: single nucleotide variant.
Coding change: c.754T>C on transcript NM_000441.2 (MANE Select); coding-DNA position 754, T replaced by C.
Protein change: p.Ser252Pro; replaces serine 252 with proline.
Molecular consequence: missense variant.
Genome position (GRCh38, 1-based): chr7:107,675,098, T>C. VCF-style: chr7-107675098-T-C. GRCh37 (hg19) VCF-style: chr7-107315543-T-C.
Other names: c.754T>C (NM_000441.1); short protein forms S252P.
Identifiers: ClinVar variation 1065210 (VCV001065210.16), dbSNP rs1315422549, ClinGen allele CA368832032.
Genomic context (GRCh38, chr7:107,675,098, plus strand): 5'-CTGGTCTCACAGCTAAAGATTGTCCTCAATGTTTCAACCAAAAACTACAATGGAGTTCTC[T>C]CTATTATCTATGTAAGTGTTGCTTCTTGCTCCAGGGATGGGTCACTGTTCATTCCAGAAA-3'
Protein context (NP_000432.1, residues 242-262): VSTKNYNGVL[Ser252Pro]IIYTLVEIFQ